The following is an entry in ClinVar:

NM_014797.3(ZBTB24):c.971G>A (p.Cys324Tyr)

Gene: ZBTB24 (zinc finger and BTB domain containing 24; minus strand). Cytogenetic location: 6q21.
Variant type: single nucleotide variant.
Coding change: c.971G>A on transcript NM_014797.3 (MANE Select); coding-DNA position 971, G replaced by A.
Protein change: p.Cys324Tyr; replaces cysteine 324 with tyrosine.
Molecular consequence: missense variant.
Genome position (GRCh38, 1-based): chr6:109,476,912, C>T on the plus strand (G>A on the coding strand, the complement: ZBTB24 is on the minus strand). VCF-style: chr6-109476912-C-T. GRCh37 (hg19) VCF-style: chr6-109798115-C-T.
Other names: short protein forms C324Y.
Identifiers: ClinVar variation 3691505 (VCV003691505.2).

ClinVar aggregate classification (germline): Uncertain significance (1 of 4 stars; one submission).

Conditions:
Immunodeficiency-centromeric instability-facial anomalies syndrome 2 (ICF2). Identifiers: Orphanet 2268, MedGen C3279748, MONDO:0013553, OMIM 614069.

gnomAD v4.1: 23 of 1,614,102 alleles (0.0014%); highest among the groups gnomAD compares: Non-Finnish European, 0.0019%; no homozygotes.

Submission:

Labcorp Genetics (formerly Invitae), Labcorp
Classification: Uncertain significance for Immunodeficiency-centromeric instability-facial anomalies syndrome 2. Last evaluated: 2024-04-16. Review status: criteria provided, single submitter. Criteria: Invitae Variant Classification Sherloc (09022015). Collection method: clinical testing. Allele origin: germline.
Comment: This sequence change replaces cysteine, which is neutral and slightly polar, with tyrosine, which is neutral and polar, at codon 324 of the ZBTB24 protein (p.Cys324Tyr). This variant is not present in population databases (gnomAD no frequency). This variant has not been reported in the literature in individuals affected with ZBTB24-related conditions. An algorithm developed to predict the effect of missense changes on protein structure and function (PolyPhen-2) suggests that this variant is likely to be disruptive. In summary, the available evidence is currently insufficient to determine the role of this variant in disease. Therefore, it has been classified as a Variant of Uncertain Significance.